The following is an entry in ClinVar:

NM_001291867.2(NHS):c.2093G>A (p.Arg698Gln)

Gene: NHS (NHS actin remodeling regulator; plus strand). Cytogenetic location: Xp22.13.
Variant type: single nucleotide variant.
Coding change: c.2093G>A on transcript NM_001291867.2 (MANE Select); coding-DNA position 2093, G replaced by A.
Protein change: p.Arg698Gln; replaces arginine 698 with glutamine.
Molecular consequence: missense variant.
Genome position (GRCh38, 1-based): chrX:17,726,199, G>A. VCF-style: chrX-17726199-G-A. GRCh37 (hg19) VCF-style: chrX-17744319-G-A.
Other names: c.1562G>A, p.Arg521Gln (NM_001136024.4); c.1499G>A, p.Arg500Gln (NM_001291868.2); c.2030G>A, p.Arg677Gln (NM_198270.4); short protein forms R677Q, R521Q, R500Q, R698Q.
Identifiers: ClinVar variation 588310 (VCV000588310.18), dbSNP rs140904281, ClinGen allele CA10358691.

ClinVar aggregate classification (germline): Benign/Likely benign. Review status: criteria provided, multiple submitters, no conflicts (2 of 4 stars). 4 submissions from 4 submitters: Benign (2); Likely benign (1). 1 of the submissions does not count toward it. Last evaluated 2026-04-01.

Conditions:
NHS-related disorder. Also called: NHS-related condition.
Inborn genetic diseases. Identifiers: MedGen C0950123, MeSH D030342.
Nance-Horan syndrome (NHS). Identifiers: Orphanet 627, MedGen C0796085, MONDO:0010545, OMIM 302350.

Allele frequency attached by ClinVar (database versions not stated): gnomAD 0.00067 and 0.00075; 1000 Genomes Project 0.00079; 1000 Genomes Project 30x 0.00083; gnomAD exomes 0.00007 and 0.00015; ExAC 0.00018; TOPMed 0.00053; ESP Exome Variant Server 0.00057.
gnomAD v4.1: 152 of 1,210,349 alleles (0.013%); highest among the groups gnomAD compares: African/African-American, 0.22%; no homozygotes.

Submissions (4):

CeGaT Center for Human Genetics Tuebingen
Classification: Likely benign. Last evaluated: 2026-04-01. Review status: criteria provided, single submitter. Criteria: CeGaT Center For Human Genetics Tuebingen Variant Classification Criteria Version 2. Collection method: clinical testing. Allele origin: germline. Affected: yes. Observed: 1 variant allele.
Comment: NHS: BS2

Labcorp Genetics (formerly Invitae), Labcorp
Classification: Benign for Nance-Horan syndrome. Last evaluated: 2025-09-10. Review status: criteria provided, single submitter. Criteria: Invitae Variant Classification Sherloc (09022015). Collection method: clinical testing. Allele origin: germline.

Ambry Genetics
Classification: Benign for Inborn genetic diseases. Last evaluated: 2018-02-06. Review status: criteria provided, single submitter. Criteria: Ambry Variant Classification Scheme 2023. Collection method: clinical testing. Allele origin: germline.

PreventionGenetics, part of Exact Sciences
Classification: Likely benign for NHS-related condition. Last evaluated: 2022-02-13. Review status: no assertion criteria provided. Collection method: clinical testing. Allele origin: germline. Not counted in ClinVar's aggregate classification.
Comment: This variant is classified as likely benign based on ACMG/AMP sequence variant interpretation guidelines (Richards et al. 2015 PMID: 25741868, with internal and published modifications).